The following is an entry in ClinVar:

ClinVar aggregate classification (germline): Uncertain significance. Review status: criteria provided, multiple submitters, no conflicts (2 of 4 stars). 2 submissions from 2 submitters: Uncertain significance (2). Last evaluated 2024-10-01.

Conditions:
Hereditary spastic paraplegia 48. Also called: SPASTIC PARAPLEGIA 48, AUTOSOMAL RECESSIVE; Spastic paraplegia 48. Identifiers: Orphanet 306511, MedGen C3150901, MONDO:0013342, OMIM 613647.

Allele frequency attached by ClinVar (database versions not stated): ExAC 0.00002; TOPMed 0.00005.

Submissions (2):

Labcorp Genetics (formerly Invitae), Labcorp
Classification: Uncertain significance for Hereditary spastic paraplegia 48. Last evaluated: 2024-10-01. Review status: criteria provided, single submitter. Criteria: Invitae Variant Classification Sherloc (09022015). Collection method: clinical testing. Allele origin: germline.
Comment: This sequence change falls in intron 4 of the AP5Z1 gene. It does not directly change the encoded amino acid sequence of the AP5Z1 protein. It affects a nucleotide within the consensus splice site. The frequency data for this variant in the population databases is considered unreliable, as metrics indicate poor data quality at this position in the gnomAD database. This variant has not been reported in the literature in individuals affected with AP5Z1-related conditions. ClinVar contains an entry for this variant (Variation ID: 360311). Variants that disrupt the consensus splice site are a relatively common cause of aberrant splicing (PMID: 17576681, 9536098). Algorithms developed to predict the effect of sequence changes on RNA splicing suggest that this variant may disrupt the consensus splice site. In summary, the available evidence is currently insufficient to determine the role of this variant in disease. Therefore, it has been classified as a Variant of Uncertain Significance.

Illumina Laboratory Services, Illumina
Classification: Uncertain significance for Hereditary spastic paraplegia 48. Last evaluated: 2018-01-13. Review status: criteria provided, single submitter. Criteria: ICSL Variant Classification Criteria 13 December 2019. Collection method: clinical testing. Allele origin: germline.

Literature cited by the submitters: PubMed 17576681 (cited by Labcorp Genetics (formerly Invitae), Labcorp); PubMed 9536098 (cited by Labcorp Genetics (formerly Invitae), Labcorp).

NM_014855.3(AP5Z1):c.511+5G>A

Gene: AP5Z1 (adaptor related protein complex 5 subunit zeta 1; plus strand). Cytogenetic location: 7p22.1.
Variant type: single nucleotide variant.
Coding change: c.511+5G>A on transcript NM_014855.3 (MANE Select); 5 bases into the intron after coding-DNA position 511, G replaced by A.
Molecular consequence: intron variant.
Genome position (GRCh38, 1-based): chr7:4,783,465, G>A. VCF-style: chr7-4783465-G-A. GRCh37 (hg19) VCF-style: chr7-4823096-G-A.
Other names: c.511+5G>A (LRG_1247t1); c.43+5G>A (NM_001364858.1).
Identifiers: ClinVar variation 360311 (VCV000360311.11), dbSNP rs759729051, ClinGen allele CA4137233.